The following is an entry in ClinVar:

NM_022041.4(GAN):c.14G>A (p.Ser5Asn)

Genes: GAN (gigaxonin; plus strand), LOC130059498 (ATAC-STARR-seq lymphoblastoid silent region 7753; plus strand). Cytogenetic location: 16q23.2.
Variant type: single nucleotide variant.
Coding change: c.14G>A on transcript NM_022041.4 (MANE Select); coding-DNA position 14, G replaced by A.
Protein change: p.Ser5Asn; replaces serine 5 with asparagine.
Molecular consequence: missense variant. On other transcripts: 5 prime UTR variant (1).
Genome position (GRCh38, 1-based): chr16:81,315,127, G>A. VCF-style: chr16-81315127-G-A. GRCh37 (hg19) VCF-style: chr16-81348732-G-A.
Other names: c.-511G>A (NM_001377486.1); short protein forms S5N.
Identifiers: ClinVar variation 958058 (VCV000958058.10), dbSNP rs768368918, ClinGen allele CA8191230.
Genomic context (GRCh38, chr16:81,315,127, plus strand): 5'-GGACGGTGTCGGGAGCCGGACCCGTCGGCAGAGGAGCGGGCGCCGCGATGGCTGAGGGCA[G>A]TGCCGTGTCTGACCCTCAGCACGCCGCGCGTCTGCTGCGAGCGCTCAGCTCTTTCCGCGA-3'
Protein context (NP_071324.1, residues 1-15): MAEG[Ser5Asn]AVSDPQHAAR

ClinVar aggregate classification (germline): Uncertain significance (1 of 4 stars; one submission).

Conditions:
Giant axonal neuropathy 1 (GAN1). Also called: GAN-Related Neurodegeneration; GIANT AXONAL NEUROPATHY 1, AUTOSOMAL RECESSIVE. Identifiers: Orphanet 643, MedGen C1850386, MONDO:0009749, OMIM 256850.

Allele frequency attached by ClinVar (database versions not stated): ExAC below 0.00001; gnomAD 0.00001; TOPMed 0.00003; 1000 Genomes Project 30x 0.00016.
gnomAD v4.1: 5 of 1,519,456 alleles (0.00033%); highest among the groups gnomAD compares: African/African-American, 0.0029%; no homozygotes.

Submission:

Labcorp Genetics (formerly Invitae), Labcorp
Classification: Uncertain significance for Giant axonal neuropathy 1. Last evaluated: 2020-07-26. Review status: criteria provided, single submitter. Criteria: Invitae Variant Classification Sherloc (09022015). Collection method: clinical testing. Allele origin: germline.
Comment: Algorithms developed to predict the effect of missense changes on protein structure and function (SIFT, PolyPhen-2, Align-GVGD) all suggest that this variant is likely to be tolerated, but these predictions have not been confirmed by published functional studies and their clinical significance is uncertain. In summary, the available evidence is currently insufficient to determine the role of this variant in disease. Therefore, it has been classified as a Variant of Uncertain Significance. This variant has not been reported in the literature in individuals with GAN-related conditions. The frequency data for this variant in the population databases is considered unreliable, as metrics indicate poor data quality at this position in the ExAC database. This sequence change replaces serine with asparagine at codon 5 of the GAN protein (p.Ser5Asn). The serine residue is moderately conserved and there is a small physicochemical difference between serine and asparagine.